The following is an entry in ClinVar:

ClinVar aggregate classification (germline): Pathogenic (1 of 4 stars; one submission).

Conditions:
Glycogen storage disease IXc (GSD9C). Also called: GSD IXc. Identifiers: Orphanet 264580, MedGen C2751643, MONDO:0013091, OMIM 613027.

Submission:

Centre for Human Genetics
Classification: Pathogenic for Glycogen storage disease IXc. Last evaluated: 2020-08-27. Review status: criteria provided, single submitter. Criteria: ACMG Guidelines, 2015. Collection method: clinical testing. Allele origin: inherited. Inheritance: Autosomal recessive inheritance. Affected: yes. Observed: 1 variant allele.
Comment: disease causing

NM_000294.3(PHKG2):c.539del (p.Pro180fs)

Gene: PHKG2 (phosphorylase kinase catalytic subunit gamma 2; plus strand). Cytogenetic location: 16p11.2.
Variant type: Deletion.
Coding change: c.539del on transcript NM_000294.3 (MANE Select); coding-DNA position 539, one base deleted (C; older notation c.539delC).
Protein change: p.Pro180fs; shifts the reading frame from proline 180.
Molecular consequence: frameshift variant.
Genome position (GRCh38, 1-based): chr16:30,753,540, C deleted; the last of 2 consecutive C bases (chr16:30,753,539-30,753,540); deleting either gives the same sequence. VCF-style (leftmost placement, unchanged base first): chr16-30753538-AC-A. GRCh37 (hg19) VCF-style: chr16-30764859-AC-A.
Other names: c.539del, p.Pro180fs (NM_001172432.2); c.538del (NM_000294.3); short protein forms P180fs.
Identifiers: ClinVar variation 998118 (VCV000998118.1), dbSNP rs2053379013, ClinGen allele CA2216725986.
Genomic context (GRCh38, chr16:30,753,538, plus strand): 5'-TCTCCTAGATGACAATATGCAGATCCGACTTTCAGATTTCGGGTTCTCCTGCCACTTGGA[AC>A]CTGGCGAGAAGCTTCGAGGTGAGGGGATCTAGTGCCCTAATAGGCTTGGGAGGGGAGACC-3'